The following is an entry in ClinVar:

NM_020745.4(AARS2):c.1316C>T (p.Ser439Phe)

Gene: AARS2 (alanyl-tRNA synthetase 2, mitochondrial; minus strand). Cytogenetic location: 6p21.1.
Variant type: single nucleotide variant.
Coding change: c.1316C>T on transcript NM_020745.4 (MANE Select); coding-DNA position 1316, C replaced by T.
Protein change: p.Ser439Phe; replaces serine 439 with phenylalanine.
Molecular consequence: missense variant.
Genome position (GRCh38, 1-based): chr6:44,305,771, G>A on the plus strand (C>T on the coding strand, the complement: AARS2 is on the minus strand). VCF-style: chr6-44305771-G-A. GRCh37 (hg19) VCF-style: chr6-44273508-G-A.
Other names: c.1316C>T (NM_020745.2); short protein forms S439F.
Identifiers: ClinVar variation 1909213 (VCV001909213.6), dbSNP rs748288072, ClinGen allele CA3834359.

ClinVar aggregate classification (germline): Uncertain significance. Review status: criteria provided, multiple submitters, no conflicts (2 of 4 stars). 2 submissions from 2 submitters: Uncertain significance (2). Last evaluated 2025-04-08.

Conditions:
Inborn genetic diseases. Identifiers: MedGen C0950123, MeSH D030342.

Allele frequency attached by ClinVar (database versions not stated): ExAC 0.00001; gnomAD 0.00001; gnomAD exomes 0.00001; TOPMed 0.00002.
gnomAD v4.1: 7 of 1,614,006 alleles (0.00043%); highest among the groups gnomAD compares: Admixed American, 0.012%; no homozygotes.

Submissions (2):

Ambry Genetics
Classification: Uncertain significance for Inborn genetic diseases. Last evaluated: 2025-04-08. Review status: criteria provided, single submitter. Criteria: Ambry Variant Classification Scheme 2023. Collection method: clinical testing. Allele origin: germline.

Labcorp Genetics (formerly Invitae), Labcorp
Classification: Uncertain significance. Last evaluated: 2022-07-03. Review status: criteria provided, single submitter. Criteria: Invitae Variant Classification Sherloc (09022015). Collection method: clinical testing. Allele origin: germline.
Comment: This variant has not been reported in the literature in individuals affected with AARS2-related conditions. This variant is present in population databases (rs748288072, gnomAD 0.01%). This sequence change replaces serine, which is neutral and polar, with phenylalanine, which is neutral and non-polar, at codon 439 of the AARS2 protein (p.Ser439Phe). In summary, the available evidence is currently insufficient to determine the role of this variant in disease. Therefore, it has been classified as a Variant of Uncertain Significance. Advanced modeling of protein sequence and biophysical properties (such as structural, functional, and spatial information, amino acid conservation, physicochemical variation, residue mobility, and thermodynamic stability) performed at Invitae indicates that this missense variant is not expected to disrupt AARS2 protein function.